The following is an entry in ClinVar:

NM_001145809.2(MYH14):c.5842G>A (p.Glu1948Lys)

Gene: MYH14 (myosin heavy chain 14; plus strand). Cytogenetic location: 19q13.33.
Variant type: single nucleotide variant.
Coding change: c.5842G>A on transcript NM_001145809.2 (MANE Select); coding-DNA position 5842, G replaced by A.
Protein change: p.Glu1948Lys; replaces glutamic acid 1948 with lysine.
Molecular consequence: missense variant.
Genome position (GRCh38, 1-based): chr19:50,309,059, G>A. VCF-style: chr19-50309059-G-A. GRCh37 (hg19) VCF-style: chr19-50812316-G-A.
Other names: c.5743G>A, p.Glu1915Lys (NM_001077186.2); c.5719G>A, p.Glu1907Lys (NM_024729.4); short protein forms E1907K, E1948K, E1915K.
Identifiers: ClinVar variation 4987868 (VCV004987868.1).
Genomic context (GRCh38, chr19:50,309,059, plus strand): 5'-ATCAAGCTGGAGAAGGGAAACCTTCGAGTCAAGCAGCTGAAGCGGCAGCTGGAGGAGGCC[G>A]AGGAGGAGGCATCCCGGGCTCAGGCCGGCCGCCGGAGGCTGCAGCGTGAGCTGGAAGATG-3'
Protein context (NP_001139281.1, residues 1938-1958): KQLKRQLEEA[Glu1948Lys]EEASRAQAGR

ClinVar aggregate classification (germline): Uncertain significance (1 of 4 stars; one submission).

Conditions:
MYH14-related disorder. Also called: MYH14-related condition.

Submission:

PreventionGenetics, part of Exact Sciences
Classification: Uncertain significance for MYH14-related condition. Last evaluated: 2026-04-27. Review status: criteria provided, single submitter. Criteria: ACMG Guidelines, 2015. Collection method: clinical testing. Allele origin: germline.
Comment: The MYH14 c.5842G>A variant is predicted to result in the amino acid substitution p.Glu1948Lys. To our knowledge, this variant has not been reported in the literature. This variant is reported in 0.00089% of alleles in individuals of European (Non-Finnish) descent in gnomAD. At this time, the clinical significance of this variant is uncertain due to the absence of conclusive functional and genetic evidence.